The following is an entry in ClinVar:

NM_001382567.1(STIM1):c.1282C>T (p.His428Tyr)

Gene: STIM1 (stromal interaction molecule 1; plus strand). Cytogenetic location: 11p15.4.
Variant type: single nucleotide variant.
Coding change: c.1282C>T on transcript NM_001382567.1 (MANE Select); coding-DNA position 1282, C replaced by T.
Protein change: p.His428Tyr; replaces histidine 428 with tyrosine.
Molecular consequence: missense variant. On other transcripts: non-coding transcript variant (2).
Genome position (GRCh38, 1-based): chr11:4,083,306, C>T. VCF-style: chr11-4083306-C-T. GRCh37 (hg19) VCF-style: chr11-4104536-C-T.
Other names: c.1060C>T, p.His354Tyr (NM_001382576.1, NM_001382577.1, NM_001382578.1 and 4 more transcripts); c.793C>T, p.His265Tyr (NM_001382580.1, NM_001382581.1); c.1282C>T, p.His428Tyr (NM_003156.4, NM_001277962.2, NM_001277961.3); c.1303C>T, p.His435Tyr (NM_001382568.1); c.1147C>T, p.His383Tyr (NM_001382569.1); c.1054C>T, p.His352Tyr (NM_001382570.1); c.802C>T, p.His268Tyr (NM_001382571.1); short protein forms H265Y, H268Y, H352Y, H354Y, H383Y, H428Y, H435Y.
Identifiers: ClinVar variation 3752895 (VCV003752895.2).

ClinVar aggregate classification (germline): Uncertain significance (1 of 4 stars; one submission).

Conditions:
Combined immunodeficiency due to STIM1 deficiency. Also called: IMMUNODEFICIENCY 10; STIM1 DEFICIENCY. Identifiers: Orphanet 169090, Orphanet 317430, MedGen C2748557, MONDO:0013008, OMIM 612783.
Myopathy with tubular aggregates (TAM). Also called: Tubular Aggregate Myopathy. Identifiers: Orphanet 2593, MedGen C0410207, MONDO:0008051.
Stormorken syndrome (STRMK). Also called: THROMBOCYTOPATHY, ASPLENIA, AND MIOSIS. Identifiers: Orphanet 3204, MedGen C1861451, MONDO:0008497, OMIM 185070.

Submission:

Labcorp Genetics (formerly Invitae), Labcorp
Classification: Uncertain significance for Myopathy with tubular aggregates; Combined immunodeficiency due to STIM1 deficiency; Stormorken syndrome. Last evaluated: 2025-01-21. Review status: criteria provided, single submitter. Criteria: Invitae Variant Classification Sherloc (09022015). Collection method: clinical testing. Allele origin: germline.
Comment: This sequence change replaces histidine, which is basic and polar, with tyrosine, which is neutral and polar, at codon 428 of the STIM1 protein (p.His428Tyr). This variant is present in population databases (rs767609050, gnomAD 0.003%). This variant has not been reported in the literature in individuals affected with STIM1-related conditions. Invitae Evidence Modeling of protein sequence and biophysical properties (such as structural, functional, and spatial information, amino acid conservation, physicochemical variation, residue mobility, and thermodynamic stability) has been performed for this missense variant. However, the output from this modeling did not meet the statistical confidence thresholds required to predict the impact of this variant on STIM1 protein function. In summary, the available evidence is currently insufficient to determine the role of this variant in disease. Therefore, it has been classified as a Variant of Uncertain Significance.